The following is an entry in ClinVar:

NM_001308093.3(GATA4):c.1208C>A (p.Ala403Asp)

Gene: GATA4 (GATA binding protein 4). Cytogenetic location: 8p23.1.
Variant type: single nucleotide variant.
Coding change: c.1208C>A on transcript NM_001308093.3 (MANE Select); coding-DNA position 1208, C replaced by A.
Protein change: p.Ala403Asp; replaces alanine 403 with aspartic acid.
Molecular consequence: missense variant.
Genome position (GRCh38, 1-based): chr8:11,758,351, C>A. VCF-style: chr8-11758351-C-A. GRCh37 (hg19) VCF-style: chr8-11615860-C-A.
Other names: c.587C>A, p.Ala196Asp (NM_001308094.2, NM_001374273.1); c.461C>A, p.Ala154Asp (NM_001374274.1); c.1205C>A, p.Ala402Asp (NM_002052.5); c.1205C>A (NM_002052.4); short protein forms A154D, A196D, A402D, A403D.
Identifiers: ClinVar variation 969291 (VCV000969291.8), dbSNP rs1563234610, ClinGen allele CA370315642.

ClinVar aggregate classification (germline): Uncertain significance. Review status: criteria provided, multiple submitters, no conflicts (2 of 4 stars). 3 submissions from 3 submitters: Uncertain significance (3). Last evaluated 2024-01-25.

Conditions:
GATA4-related disorder. Also called: GATA4-related condition. Identifiers: MedGen CN860321.
Atrioventricular septal defect 4 (AVSD4). Identifiers: MedGen C3280781, MONDO:0013747, OMIM 614430.

Submissions (3):

GeneDx
Classification: Uncertain significance. Last evaluated: 2024-01-25. Review status: criteria provided, single submitter. Criteria: GeneDx Variant Classification Process June 2021. Collection method: clinical testing. Allele origin: germline. Affected: yes.
Comment: Has not been previously published as pathogenic or benign to our knowledge; Not observed at significant frequency in large population cohorts (gnomAD); In silico analysis supports that this missense variant does not alter protein structure/function

PreventionGenetics, part of Exact Sciences
Classification: Uncertain significance for GATA4-related condition. Last evaluated: 2022-10-11. Review status: criteria provided, single submitter. Criteria: ACMG Guidelines, 2015. Collection method: clinical testing. Allele origin: germline.
Comment: The GATA4 c.1205C>A variant is predicted to result in the amino acid substitution p.Ala402Asp. To our knowledge, this variant has not been reported in the literature or in a large population database, indicating this variant is rare. At this time, the clinical significance of this variant is uncertain due to the absence of conclusive functional and genetic evidence.

Labcorp Genetics (formerly Invitae), Labcorp
Classification: Uncertain significance for Atrioventricular septal defect 4. Last evaluated: 2022-05-12. Review status: criteria provided, single submitter. Criteria: Invitae Variant Classification Sherloc (09022015). Collection method: clinical testing. Allele origin: germline.
Comment: In summary, the available evidence is currently insufficient to determine the role of this variant in disease. Therefore, it has been classified as a Variant of Uncertain Significance. Algorithms developed to predict the effect of missense changes on protein structure and function (SIFT, PolyPhen-2, Align-GVGD) all suggest that this variant is likely to be tolerated. ClinVar contains an entry for this variant (Variation ID: 969291). This variant has not been reported in the literature in individuals affected with GATA4-related conditions. This variant is not present in population databases (gnomAD no frequency). This sequence change replaces alanine, which is neutral and non-polar, with aspartic acid, which is acidic and polar, at codon 402 of the GATA4 protein (p.Ala402Asp).